The following is an entry in ClinVar:

NM_000465.4(BARD1):c.1394T>A (p.Leu465Ter)

Gene: BARD1 (BRCA1 associated RING domain 1; minus strand). Cytogenetic location: 2q35.
Variant type: single nucleotide variant.
Coding change: c.1394T>A on transcript NM_000465.4 (MANE Select); coding-DNA position 1394, T replaced by A.
Protein change: p.Leu465Ter; replaces leucine 465 with a stop codon.
Molecular consequence: nonsense. On other transcripts: non-coding transcript variant (3), intron variant (3).
Genome position (GRCh38, 1-based): chr2:214,769,233, A>T on the plus strand (T>A on the coding strand, the complement: BARD1 is on the minus strand). VCF-style: chr2-214769233-A-T. GRCh37 (hg19) VCF-style: chr2-215633957-A-T.
Other names: c.1337T>A, p.Leu446Ter (NM_001282543.2); c.159-16678T>A (NM_001282548.2); c.216-16678T>A (NM_001282545.2); c.364+23064T>A (NM_001282549.2); c.1394T>A (NM_000465.2); short protein forms L446*, L465*.
Identifiers: ClinVar variation 987253 (VCV000987253.11), dbSNP rs1370053894, ClinGen allele CA350450053.

ClinVar aggregate classification (germline): Pathogenic. Review status: criteria provided, multiple submitters, no conflicts (2 of 4 stars). 4 submissions from 4 submitters: Pathogenic (4). Last evaluated 2025-01-06.

Conditions:
Hereditary cancer-predisposing syndrome. Also called: Hereditary Cancer Syndrome; Neoplastic Syndromes, Hereditary; Tumor predisposition; Hereditary neoplastic syndrome. Identifiers: Orphanet 140162, MedGen C0027672, MeSH D009386, MONDO:0015356.
Familial cancer of breast. Also called: BREAST CANCER, FAMILIAL; Hereditary breast cancer; hereditary breast carcinoma. Identifiers: Orphanet 227535, MedGen C0346153, MONDO:0016419, OMIM 114480. Disease mechanism: loss of function.

Submissions (4):

Ambry Genetics
Classification: Pathogenic for Hereditary cancer-predisposing syndrome. Last evaluated: 2025-01-06. Review status: criteria provided, single submitter. Criteria: Ambry Variant Classification Scheme 2023. Collection method: clinical testing. Allele origin: germline.
Comment: The p.L465* pathogenic mutation (also known as c.1394T>A), located in coding exon 5 of the BARD1 gene, results from a T to A substitution at nucleotide position 1394. This changes the amino acid from a leucine to a stop codon within coding exon 5. This variant is considered to be rare based on population cohorts in the Genome Aggregation Database (gnomAD). This alteration is expected to result in loss of function by premature protein truncation or nonsense-mediated mRNA decay. As such, this alteration is interpreted as a disease-causing mutation.

Labcorp Genetics (formerly Invitae), Labcorp
Classification: Pathogenic for Familial cancer of breast. Last evaluated: 2023-06-16. Review status: criteria provided, single submitter. Criteria: Invitae Variant Classification Sherloc (09022015). Collection method: clinical testing. Allele origin: germline.
Comment: For these reasons, this variant has been classified as Pathogenic. ClinVar contains an entry for this variant (Variation ID: 987253). This variant has not been reported in the literature in individuals affected with BARD1-related conditions. This variant is not present in population databases (gnomAD no frequency). This sequence change creates a premature translational stop signal (p.Leu465*) in the BARD1 gene. It is expected to result in an absent or disrupted protein product. Loss-of-function variants in BARD1 are known to be pathogenic (PMID: 20077502, 21344236).

Myriad Genetics, Inc.
Classification: Pathogenic for Familial cancer of breast. Last evaluated: 2023-05-23. Review status: criteria provided, single submitter. Criteria: Myriad Autosomal Dominant, Autosomal Recessive and X-Linked Classification Criteria (2023). Collection method: clinical testing. Allele origin: unknown.
Comment: This variant is considered pathogenic. This variant creates a termination codon and is predicted to result in premature protein truncation.

Institute of Medical Genetics and Applied Genomics, University Hospital Tübingen
Classification: Pathogenic. Last evaluated: 2020-10-23. Review status: criteria provided, single submitter. Criteria: ACMG Guidelines, 2015. Collection method: clinical testing. Allele origin: germline. Inheritance: Unknown mechanism. Affected: yes.

Literature cited by the submitters: PubMed 20077502 (cited by Labcorp Genetics (formerly Invitae), Labcorp); PubMed 21344236 (cited by Labcorp Genetics (formerly Invitae), Labcorp).